The following is an entry in ClinVar:

ClinVar aggregate classification (germline): Uncertain significance. Review status: criteria provided, single submitter (1 of 4 stars). 2 submissions from 2 submitters: Uncertain significance (1). 1 of the submissions does not count toward it. Last evaluated 2022-07-18.

Conditions:
Usher syndrome type 2A. Also called: RETINAL DISEASE IN USHER SYNDROME TYPE IIA, MODIFIER OF; USHER SYNDROME, TYPE IIA. Identifiers: Orphanet 231178, Orphanet 886, MedGen C1848634, MONDO:0010169, OMIM 276901.

Allele frequency attached by ClinVar (database versions not stated): gnomAD 0.00001; gnomAD exomes 0.00001; TOPMed 0.00001.
gnomAD v4.1: 7 of 1,612,076 alleles (0.00043%); highest among the groups gnomAD compares: African/African-American, 0.0013%; no homozygotes.

Submissions (2):

Labcorp Genetics (formerly Invitae), Labcorp
Classification: Uncertain significance. Last evaluated: 2022-07-18. Review status: criteria provided, single submitter. Criteria: Invitae Variant Classification Sherloc (09022015). Collection method: clinical testing. Allele origin: germline.
Comment: In summary, the available evidence is currently insufficient to determine the role of this variant in disease. Therefore, it has been classified as a Variant of Uncertain Significance. Algorithms developed to predict the effect of missense changes on protein structure and function are either unavailable or do not agree on the potential impact of this missense change (SIFT: "Deleterious"; PolyPhen-2: "Benign"; Align-GVGD: "Class C0"). ClinVar contains an entry for this variant (Variation ID: 1038867). This variant has not been reported in the literature in individuals affected with USH2A-related conditions. This variant is present in population databases (no rsID available, gnomAD 0.007%). This sequence change replaces leucine, which is neutral and non-polar, with phenylalanine, which is neutral and non-polar, at codon 2380 of the USH2A protein (p.Leu2380Phe).

Natera, Inc.
Classification: Uncertain significance for Usher syndrome type 2A. Last evaluated: 2021-01-21. Review status: no assertion criteria provided. Collection method: clinical testing. Allele origin: germline. Not counted in ClinVar's aggregate classification.

NM_206933.4(USH2A):c.7138C>T (p.Leu2380Phe)

Gene: USH2A (usherin; minus strand). Cytogenetic location: 1q41.
Variant type: single nucleotide variant.
Coding change: c.7138C>T on transcript NM_206933.4 (MANE Select); coding-DNA position 7138, C replaced by T.
Protein change: p.Leu2380Phe; replaces leucine 2380 with phenylalanine.
Molecular consequence: missense variant.
Genome position (GRCh38, 1-based): chr1:215,934,778, G>A on the plus strand (C>T on the coding strand, the complement: USH2A is on the minus strand). VCF-style: chr1-215934778-G-A. GRCh37 (hg19) VCF-style: chr1-216108120-G-A.
Other names: short protein forms L2380F.
Identifiers: ClinVar variation 1038867 (VCV001038867.6), dbSNP rs1308006303, ClinGen allele CA344858016.